The following is an entry in ClinVar:

ClinVar aggregate classification (germline): Pathogenic. Review status: criteria provided, multiple submitters, no conflicts (2 of 4 stars). 2 submissions from 2 submitters: Pathogenic (2). Last evaluated 2024-11-07.

Conditions:
Developmental and epileptic encephalopathy, 18 (DEE18). Also called: Early infantile epileptic encephalopathy 18. Identifiers: Orphanet 369894, MedGen C3809624, MONDO:0014201, OMIM 615476.

Allele frequency attached by ClinVar (database versions not stated): ExAC 0.00002; gnomAD exomes 0.00002.
gnomAD v4.1: 9 of 1,614,154 alleles (0.00056%); highest among the groups gnomAD compares: South Asian, 0.0099%; no homozygotes.

Submissions (2):

Labcorp Genetics (formerly Invitae), Labcorp
Classification: Pathogenic. Last evaluated: 2024-11-07. Review status: criteria provided, single submitter. Criteria: Invitae Variant Classification Sherloc (09022015). Collection method: clinical testing. Allele origin: germline.
Comment: This sequence change creates a premature translational stop signal (p.Trp68*) in the SZT2 gene. It is expected to result in an absent or disrupted protein product. Loss-of-function variants in SZT2 are known to be pathogenic (PMID: 23932106, 27248490, 28556953). This variant is present in population databases (rs773684718, gnomAD 0.01%). This variant has not been reported in the literature in individuals affected with SZT2-related conditions. ClinVar contains an entry for this variant (Variation ID: 3254920). For these reasons, this variant has been classified as Pathogenic.

Victorian Clinical Genetics Services, Murdoch Childrens Research Institute
Classification: Pathogenic for Developmental and epileptic encephalopathy, 18. Last evaluated: 2023-12-20. Review status: criteria provided, single submitter. Criteria: ACMG Guidelines, 2015. Collection method: clinical testing. Allele origin: germline. Inheritance: Autosomal recessive inheritance. Affected: yes.
Comment: Based on the classification scheme VCGS_Germline_v1.3.4, this variant is classified as Pathogenic. Following criteria are met: 0102 - Loss of function is a known mechanism of disease in this gene and is associated with developmental and epileptic encephalopathy 18 (MIM#615476). (I) 0106 - This gene is associated with autosomal recessive disease. (I) 0201 - Variant is predicted to cause nonsense-mediated decay (NMD) and loss of protein (premature termination codon is located at least 54 nucleotides upstream of the final exon-exon junction). (SP) 0251 - This variant is heterozygous. (I) 0304 - Variant is present in gnomAD (v2) <0.01 for a recessive condition (4 heterozygotes, 0 homozygotes). (SP) 0701 - Other NMD predicted variants comparable to the one identified in this case have very strong previous evidence for pathogenicity (DECIPHER). (SP) 0807 - This variant has no previous evidence of pathogenicity. (I) 0905 - No published segregation evidence has been identified for this variant. (I) 1007 - No published functional evidence has been identified for this variant. (I) Legend: (SP) - Supporting pathogenic, (I) - Information, (SB) - Supporting benign

Literature cited by the submitters: PubMed 23932106 (cited by Labcorp Genetics (formerly Invitae), Labcorp); PubMed 27248490 (cited by Labcorp Genetics (formerly Invitae), Labcorp); PubMed 28556953 (cited by Labcorp Genetics (formerly Invitae), Labcorp).

NM_001365999.1(SZT2):c.203G>A (p.Trp68Ter)

Gene: SZT2 (SZT2 subunit of KICSTOR complex; plus strand). Cytogenetic location: 1p34.2.
Variant type: single nucleotide variant.
Coding change: c.203G>A on transcript NM_001365999.1 (MANE Select); coding-DNA position 203, G replaced by A.
Protein change: p.Trp68Ter; replaces tryptophan 68 with a stop codon.
Molecular consequence: nonsense.
Genome position (GRCh38, 1-based): chr1:43,403,650, G>A. VCF-style: chr1-43403650-G-A. GRCh37 (hg19) VCF-style: chr1-43869321-G-A.
Other names: c.203G>A, p.Trp68Ter (NM_015284.4); short protein forms W68*.
Identifiers: ClinVar variation 3254920 (VCV003254920.3), dbSNP rs773684718.